The following is an entry in ClinVar:

NM_001379500.1(COL18A1):c.2554G>T (p.Gly852Trp)

Gene: COL18A1 (collagen type XVIII alpha 1 chain; plus strand). Cytogenetic location: 21q22.3.
Variant type: single nucleotide variant.
Coding change: c.2554G>T on transcript NM_001379500.1 (MANE Select); coding-DNA position 2554, G replaced by T.
Protein change: p.Gly852Trp; replaces glycine 852 with tryptophan.
Molecular consequence: missense variant.
Genome position (GRCh38, 1-based): chr21:45,496,545, G>T. VCF-style: chr21-45496545-G-T. GRCh37 (hg19) VCF-style: chr21-46916459-G-T.
Other names: c.3094G>T, p.Gly1032Trp (NM_030582.4); c.3799G>T, p.Gly1267Trp (NM_130444.3); short protein forms G1032W, G1267W, G852W.
Identifiers: ClinVar variation 2088288 (VCV002088288.4), dbSNP rs1163477621, ClinGen allele CA410497982.

ClinVar aggregate classification (germline): Uncertain significance (1 of 4 stars; one submission).

Submission:

Labcorp Genetics (formerly Invitae), Labcorp
Classification: Uncertain significance. Last evaluated: 2022-07-06. Review status: criteria provided, single submitter. Criteria: Invitae Variant Classification Sherloc (09022015). Collection method: clinical testing. Allele origin: germline.
Comment: In summary, the available evidence is currently insufficient to determine the role of this variant in disease. Therefore, it has been classified as a Variant of Uncertain Significance. Experimental studies and prediction algorithms are not available or were not evaluated, and the functional significance of this variant is currently unknown. This variant has not been reported in the literature in individuals affected with COL18A1-related conditions. This variant is not present in population databases (gnomAD no frequency). This sequence change replaces glycine, which is neutral and non-polar, with tryptophan, which is neutral and slightly polar, at codon 852 of the COL18A1 protein (p.Gly852Trp).